The following is an entry in ClinVar:

ClinVar aggregate classification (germline): Likely benign. Review status: criteria provided, single submitter (1 of 4 stars). 2 submissions from 2 submitters: Likely benign (1). 1 of the submissions does not count toward it. Last evaluated 2024-06-25.

Conditions:
UBR1-related disorder. Also called: UBR1-related condition.

Allele frequency attached by ClinVar (database versions not stated): TOPMed below 0.00001; ExAC 0.00001; gnomAD 0.00001.

Submissions (2):

Labcorp Genetics (formerly Invitae), Labcorp
Classification: Likely benign. Last evaluated: 2024-06-25. Review status: criteria provided, single submitter. Criteria: Invitae Variant Classification Sherloc (09022015). Collection method: clinical testing. Allele origin: germline.

PreventionGenetics, part of Exact Sciences
Classification: Likely benign for UBR1-related condition. Last evaluated: 2023-06-21. Review status: no assertion criteria provided. Collection method: clinical testing. Allele origin: germline. Not counted in ClinVar's aggregate classification.
Comment: This variant is classified as likely benign based on ACMG/AMP sequence variant interpretation guidelines (Richards et al. 2015 PMID: 25741868, with internal and published modifications).

NM_174916.3(UBR1):c.5136T>G (p.Arg1712=)

Gene: UBR1 (ubiquitin protein ligase E3 component n-recognin 1; minus strand). Cytogenetic location: 15q15.2.
Variant type: single nucleotide variant.
Coding change: c.5136T>G on transcript NM_174916.3 (MANE Select); coding-DNA position 5136, T replaced by G.
Protein change: p.Arg1712=; no amino-acid change (arginine 1712 retained).
Molecular consequence: synonymous variant.
Genome position (GRCh38, 1-based): chr15:42,945,443, A>C on the plus strand (T>G on the coding strand, the complement: UBR1 is on the minus strand). VCF-style: chr15-42945443-A-C. GRCh37 (hg19) VCF-style: chr15-43237641-A-C.
Other names: c.5136T>G (NM_174916.2).
Identifiers: ClinVar variation 2880496 (VCV002880496.5), dbSNP rs757699766, ClinGen allele CA7517662.